The following is an entry in ClinVar:

NM_005629.4(SLC6A8):c.1495G>A (p.Gly499Arg)

Gene: SLC6A8 (solute carrier family 6 member 8; plus strand). Cytogenetic location: Xq28.
Variant type: single nucleotide variant.
Coding change: c.1495G>A on transcript NM_005629.4 (MANE Select); coding-DNA position 1495, G replaced by A.
Protein change: p.Gly499Arg; replaces glycine 499 with arginine.
Molecular consequence: missense variant.
Genome position (GRCh38, 1-based): chrX:153,694,446, G>A. VCF-style: chrX-153694446-G-A. GRCh37 (hg19) VCF-style: chrX-152959901-G-A.
Other names: c.1465G>A, p.Gly489Arg (NM_001142805.2); c.1150G>A, p.Gly384Arg (NM_001142806.1); short protein forms G384R, G499R, G489R.
Identifiers: ClinVar variation 2909195 (VCV002909195.3), dbSNP rs2522167745, ClinGen allele CA415087943.

ClinVar aggregate classification (germline): Uncertain significance (1 of 4 stars; one submission).

Conditions:
Creatine transporter deficiency (CCDS1). Also called: Mental retardation , X-linked with seizures, short stature and midface hypoplasia; Mental retardation , X-linked, with creatine transport deficiency; X-linked creatine transporter deficiency; X-linked creatine deficiency syndrome; SLC6A8-Related Creatine Transporter Deficiency; CREATINE TRANSPORTER DEFECT. Identifiers: Orphanet 52503, MedGen C1845862, MONDO:0010305, OMIM 300352.

Submission:

Labcorp Genetics (formerly Invitae), Labcorp
Classification: Uncertain significance for Creatine transporter deficiency. Last evaluated: 2023-11-13. Review status: criteria provided, single submitter. Criteria: Invitae Variant Classification Sherloc (09022015). Collection method: clinical testing. Allele origin: germline.
Comment: This sequence change replaces glycine, which is neutral and non-polar, with arginine, which is basic and polar, at codon 499 of the SLC6A8 protein (p.Gly499Arg). This variant also falls at the last nucleotide of exon 10, which is part of the consensus splice site for this exon. This variant is not present in population databases (gnomAD no frequency). This variant has not been reported in the literature in individuals affected with SLC6A8-related conditions. An algorithm developed to predict the effect of missense changes on protein structure and function (PolyPhen-2) suggests that this variant is likely to be disruptive. Variants that disrupt the consensus splice site are a relatively common cause of aberrant splicing (PMID: 17576681, 9536098). Algorithms developed to predict the effect of sequence changes on RNA splicing suggest that this variant may disrupt the consensus splice site. In summary, the available evidence is currently insufficient to determine the role of this variant in disease. Therefore, it has been classified as a Variant of Uncertain Significance.

Literature cited by the submitters: PubMed 17576681; PubMed 9536098.